The following is an entry in ClinVar:

ClinVar aggregate classification (germline): Conflicting classifications of pathogenicity. Review status: criteria provided, conflicting classifications (1 of 4 stars). 3 submissions from 3 submitters: Pathogenic (1); Uncertain significance (2). Last evaluated 2024-04-02.

Conditions:
Cardiovascular phenotype. Identifiers: MedGen CN230736.
Long QT syndrome (LQTS). Identifiers: MedGen C0023976, MeSH D008133, MONDO:0002442. Disease mechanism: loss of function. Inheritance: Various modes of inheritance.

Submissions (3):

GeneDx
Classification: Pathogenic. Last evaluated: 2024-04-02. Review status: criteria provided, single submitter. Criteria: GeneDx Variant Classification Process June 2021. Collection method: clinical testing. Allele origin: germline. Affected: yes.
Comment: Reported in two individuals with neurodevelopmental and psychiatric disorders; neither individual had a diagnosis of LQTS (PMID: 36436328); Not observed at significant frequency in large population cohorts (gnomAD); In silico analysis supports that this missense variant has a deleterious effect on protein structure/function; This variant is associated with the following publications: (PMID: 36436328, 33057194, 35982159)

Labcorp Genetics (formerly Invitae), Labcorp
Classification: Uncertain significance for Long QT syndrome. Last evaluated: 2024-01-21. Review status: criteria provided, single submitter. Criteria: Invitae Variant Classification Sherloc (09022015). Collection method: clinical testing. Allele origin: germline.
Comment: This sequence change replaces arginine, which is basic and polar, with glutamine, which is neutral and polar, at codon 1332 of the CACNA1C protein (p.Arg1332Gln). This variant is not present in population databases (gnomAD no frequency). This missense change has been observed in individual(s) with clinical features of Timothy syndrome (PMID: 36436328). ClinVar contains an entry for this variant (Variation ID: 1051367). Advanced modeling of protein sequence and biophysical properties (such as structural, functional, and spatial information, amino acid conservation, physicochemical variation, residue mobility, and thermodynamic stability) performed at Invitae indicates that this missense variant is expected to disrupt CACNA1C protein function with a positive predictive value of 95%. Algorithms developed to predict the effect of sequence changes on RNA splicing suggest that this variant may disrupt the consensus splice site. In summary, the available evidence is currently insufficient to determine the role of this variant in disease. Therefore, it has been classified as a Variant of Uncertain Significance.

Ambry Genetics
Classification: Uncertain significance for Cardiovascular phenotype. Last evaluated: 2022-10-07. Review status: criteria provided, single submitter. Criteria: Ambry Variant Classification Scheme 2023. Collection method: clinical testing. Allele origin: germline.
Comment: The c.3995G>A (p.R1332Q) alteration is located in exon 32 (coding exon 32) of the CACNA1C gene. This alteration results from a G to A substitution at nucleotide position 3995, causing the arginine (R) at amino acid position 1332 to be replaced by a glutamine (Q). This variant was not reported in population-based cohorts in the Genome Aggregation Database (gnomAD). This amino acid position is highly conserved in available vertebrate species. This missense alteration is located in a region that has a low rate of benign missense variation (Lek, 2016; Firth, 2009). This alteration is predicted to be deleterious by in silico analysis. Based on insufficient or conflicting evidence, the clinical significance of this alteration remains unclear.

Literature cited by the submitters: PubMed 36436328 (cited by Labcorp Genetics (formerly Invitae), Labcorp).

NM_000719.7(CACNA1C):c.3995G>A (p.Arg1332Gln)

Gene: CACNA1C (calcium voltage-gated channel subunit alpha1 C; plus strand). Cytogenetic location: 12p13.33.
Variant type: single nucleotide variant.
Coding change: c.3995G>A on transcript NM_000719.7 (MANE Select); coding-DNA position 3995, G replaced by A.
Protein change: p.Arg1332Gln; replaces arginine 1332 with glutamine.
Molecular consequence: missense variant.
Genome position (GRCh38, 1-based): chr12:2,651,689, G>A. VCF-style: chr12-2651689-G-A. GRCh37 (hg19) VCF-style: chr12-2760855-G-A.
Other names: c.4139G>A, p.Arg1380Gln (NM_001129827.2, NM_199460.4); c.4061G>A, p.Arg1354Gln (NM_001129829.2); c.3995G>A, p.Arg1332Gln (NM_001129830.3, NM_001129833.2, NM_001129834.2 and 7 more transcripts); c.4079G>A, p.Arg1360Gln (NM_001129831.2); c.4055G>A, p.Arg1352Gln (NM_001129832.2); c.4046G>A, p.Arg1349Gln (NM_001129836.2); c.3962G>A, p.Arg1321Gln (NM_001129837.2, NM_001129838.2, NM_001129846.2 and 1 more transcripts); c.3956G>A, p.Arg1319Gln (NM_001129839.2); and 1 more; short protein forms R1319Q, R1321Q, R1329Q, R1332Q, R1349Q, R1352Q, R1354Q, R1360Q.
Identifiers: ClinVar variation 1051367 (VCV001051367.16), dbSNP rs2153655235, ClinGen allele CA383373573.